The following is an entry in ClinVar:

NM_207346.3(TSEN54):c.1078G>C (p.Ala360Pro)

Gene: TSEN54 (tRNA splicing endonuclease subunit 54; plus strand). Cytogenetic location: 17q25.1.
Variant type: single nucleotide variant.
Coding change: c.1078G>C on transcript NM_207346.3 (MANE Select); coding-DNA position 1078, G replaced by C.
Protein change: p.Ala360Pro; replaces alanine 360 with proline.
Molecular consequence: missense variant.
Genome position (GRCh38, 1-based): chr17:75,522,159, G>C. VCF-style: chr17-75522159-G-C. GRCh37 (hg19) VCF-style: chr17-73518240-G-C.
Other names: c.1078G>C (NM_207346.2); short protein forms A360P.
Identifiers: ClinVar variation 1980554 (VCV001980554.2), dbSNP rs374200799, ClinGen allele CA401029775.
Genomic context (GRCh38, chr17:75,522,159, plus strand): 5'-AAGCTGAACCAGCGCAAGGAGAAGCTCTCCAGGCGGGAACGGGAGCACCACGCGGAGGCC[G>C]CGCAGTTCCAGGAAGATGTCAACGCCGATCCCGAGGTGCAGCGGTGCTCCAGCTGGCGGG-3'
Protein context (NP_997229.2, residues 350-370): RREREHHAEA[Ala360Pro]QFQEDVNADP

ClinVar aggregate classification (germline): Uncertain significance. Review status: criteria provided, multiple submitters, no conflicts (2 of 4 stars). 2 submissions from 2 submitters: Uncertain significance (2). Last evaluated 2025-08-20.

Conditions:
Inborn genetic diseases. Identifiers: MedGen C0950123, MeSH D030342.

Allele frequency attached by ClinVar (database versions not stated): 1000 Genomes Project 30x 0.00016.
gnomAD v4.1: 6 of 1,554,910 alleles (0.00039%); highest among the groups gnomAD compares: South Asian, 0.0012%; no homozygotes.

Submissions (2):

Ambry Genetics
Classification: Uncertain significance for Inborn genetic diseases. Last evaluated: 2025-08-20. Review status: criteria provided, single submitter. Criteria: Ambry Variant Classification Scheme 2023. Collection method: clinical testing. Allele origin: germline.

Labcorp Genetics (formerly Invitae), Labcorp
Classification: Uncertain significance. Last evaluated: 2022-07-06. Review status: criteria provided, single submitter. Criteria: Invitae Variant Classification Sherloc (09022015). Collection method: clinical testing. Allele origin: germline.
Comment: This sequence change replaces alanine, which is neutral and non-polar, with proline, which is neutral and non-polar, at codon 360 of the TSEN54 protein (p.Ala360Pro). This variant is present in population databases (no rsID available, gnomAD 0.004%). This variant has not been reported in the literature in individuals affected with TSEN54-related conditions. Algorithms developed to predict the effect of missense changes on protein structure and function (SIFT, PolyPhen-2, Align-GVGD) all suggest that this variant is likely to be tolerated. In summary, the available evidence is currently insufficient to determine the role of this variant in disease. Therefore, it has been classified as a Variant of Uncertain Significance.